The following is an entry in ClinVar:

NM_007283.7(MGLL):c.155+7C>G

Gene: MGLL (monoglyceride lipase; minus strand). Cytogenetic location: 3q21.3.
Variant type: single nucleotide variant.
Coding change: c.155+7C>G on transcript NM_007283.7 (MANE Select); 7 bases into the intron after coding-DNA position 155, C replaced by G.
Molecular consequence: intron variant.
Genome position (GRCh38, 1-based): chr3:127,821,687, G>C on the plus strand (C>G on the coding strand, the complement: MGLL is on the minus strand). VCF-style: chr3-127821687-G-C. GRCh37 (hg19) VCF-style: chr3-127540530-G-C.
Other names: c.125+7C>G (NM_001388316.1, NM_001003794.3, NM_001388313.1 and 1 more transcripts); c.-143+7C>G (NM_001388317.1, NM_001388315.1, NM_001388318.1); c.155+7C>G (NM_001256585.2, NM_001388312.1).
Identifiers: ClinVar variation 3035490 (VCV003035490.2), dbSNP rs375239037, ClinGen allele CA2597738.

ClinVar aggregate classification (germline): Likely benign (0 of 4 stars; one submission).

Conditions:
MGLL-related disorder. Also called: MGLL-related condition.

Allele frequency attached by ClinVar (database versions not stated): ExAC 0.00027; ESP Exome Variant Server 0.00050.
gnomAD v4.1: 477 of 1,613,960 alleles (0.03%); highest among the groups gnomAD compares: Middle Eastern, 0.28%; no homozygotes.

Submission:

PreventionGenetics, part of Exact Sciences
Classification: Likely benign for MGLL-related condition. Last evaluated: 2019-03-20. Review status: no assertion criteria provided. Collection method: clinical testing. Allele origin: germline.
Comment: This variant is classified as likely benign based on ACMG/AMP sequence variant interpretation guidelines (Richards et al. 2015 PMID: 25741868, with internal and published modifications).